The following is an entry in ClinVar:

NM_000051.4(ATM):c.3284+5T>C

Gene: ATM (ATM serine/threonine kinase; plus strand). Cytogenetic location: 11q22.3.
Variant type: single nucleotide variant.
Coding change: c.3284+5T>C on transcript NM_000051.4 (MANE Select); 5 bases into the intron after coding-DNA position 3284, T replaced by C.
Molecular consequence: intron variant.
Genome position (GRCh38, 1-based): chr11:108,272,857, T>C. VCF-style: chr11-108272857-T-C. GRCh37 (hg19) VCF-style: chr11-108143584-T-C.
Other names: c.3284+5T>C (NM_001351834.2).
Identifiers: ClinVar variation 1729773 (VCV001729773.2), dbSNP rs2546834754, ClinGen allele CA891842119.

ClinVar aggregate classification (germline): Uncertain significance (1 of 4 stars; one submission).

Conditions:
Hereditary cancer-predisposing syndrome. Also called: Neoplastic Syndromes, Hereditary; Tumor predisposition; Hereditary Cancer Syndrome; Hereditary neoplastic syndrome. Identifiers: Orphanet 140162, MedGen C0027672, MeSH D009386, MONDO:0015356.

Submission:

Ambry Genetics
Classification: Uncertain significance for Hereditary cancer-predisposing syndrome. Last evaluated: 2021-05-28. Review status: criteria provided, single submitter. Criteria: Ambry Variant Classification Scheme 2023. Collection method: clinical testing. Allele origin: germline.
Comment: The c.3284+5T>C intronic variant results from a T to C substitution 5 nucleotides after coding exon 21 in the ATM gene. This nucleotide position is not well conserved in available vertebrate species. In silico splice site analysis predicts that this alteration will not have any significant effect on splicing. Since supporting evidence is limited at this time, the clinical significance of this alteration remains unclear.